The following is an entry in ClinVar:

ClinVar aggregate classification (germline): Conflicting classifications of pathogenicity. Review status: criteria provided, conflicting classifications (1 of 4 stars). 14 submissions from 13 submitters: Uncertain significance (5); Likely benign (4). 5 of the submissions do not count toward it. Last evaluated 2026-02-01.

Conditions:
PKHD1-related disorder. Also called: PKHD1-related condition.
Polycystic kidney disease 4 (PKD4). Also called: POLYCYSTIC KIDNEY AND HEPATIC DISEASE 1; POLYCYSTIC KIDNEY DISEASE, INFANTILE, TYPE I; PKD3; POLYCYSTIC KIDNEY DISEASE 4 WITH OR WITHOUT POLYCYSTIC LIVER DISEASE; Autosomal Recessive Polycystic Kidney Disease – PKHD1. Identifiers: MedGen C4540575, MONDO:0033004, OMIM 263200.
Autosomal recessive polycystic kidney disease (ARPKD). Also called: AR polycystic kidney disease. Identifiers: Orphanet 731, Orphanet 8378, MedGen C0085548, MeSH D017044, MONDO:0009889.

Allele frequency attached by ClinVar (database versions not stated): 1000 Genomes Project 30x 0.00062; ESP Exome Variant Server 0.00062; gnomAD 0.00075; 1000 Genomes Project 0.00080; TOPMed 0.00086; ExAC 0.00107.
gnomAD v4.1: 1,300 of 1,606,658 alleles (0.081%); highest among the groups gnomAD compares: Middle Eastern, 2.3%; 9 homozygotes.

Submissions (14):

Labcorp Genetics (formerly Invitae), Labcorp
Classification: Likely benign for Autosomal recessive polycystic kidney disease. Last evaluated: 2026-02-01. Review status: criteria provided, single submitter. Criteria: Invitae Variant Classification Sherloc (09022015). Collection method: clinical testing. Allele origin: germline.

Women's Health and Genetics/Laboratory Corporation of America, LabCorp
Classification: Uncertain significance. Last evaluated: 2025-11-04. Review status: criteria provided, single submitter. Criteria: LabCorp Variant Classification Summary - May 2015. Collection method: clinical testing. Allele origin: germline.
Comment: Variant summary: PKHD1 c.7912-5T>G alters a non-conserved nucleotide located at a position not widely known to affect splicing. Several computational tools predict a significant impact on normal splicing: One predict the variant abolishes a canonical 3' acceptor site. One predict the variant weakens a canonical 3' acceptor site. However, these predictions have yet to be confirmed by functional studies. The variant allele was found at a frequency of 0.001 in 250930 control chromosomes. This frequency is not significantly higher than estimated for disease-causing variants in PKHD1, allowing no conclusion about variant significance. c.7912-5T>G has been observed in individual(s) affected with Hydrocephaly (Naofal_2023) and Polycistic kidney disease (Jalkh_2019) without a second pathogenic allele. These report(s) do not provide unequivocal conclusions about association of the variant with Polycystic Kidney And Hepatic Disease. To our knowledge, no experimental evidence demonstrating an impact on protein function has been reported. The following publications have been ascertained in the context of this evaluation (PMID: 36703223, 15698423, 30665423). ClinVar contains an entry for this variant (Variation ID: 96425). Based on the evidence outlined above, the variant was classified as uncertain significance.

CeGaT Center for Human Genetics Tuebingen
Classification: Likely benign. Last evaluated: 2025-11-01. Review status: criteria provided, single submitter. Criteria: CeGaT Center For Human Genetics Tuebingen Variant Classification Criteria Version 2. Collection method: clinical testing. Allele origin: germline. Affected: yes. Observed: 4 variant alleles.
Comment: PKHD1: BP4, BS2

Mayo Clinic Laboratories, Mayo Clinic
Classification: Likely benign. Last evaluated: 2025-02-03. Review status: criteria provided, single submitter. Criteria: ACMG Guidelines, 2015. Collection method: clinical testing. Allele origin: germline. Observed: 5 variant alleles.
Comment: BS1, BP4, BP7

Blueprint Genetics
Classification: Likely benign. Last evaluated: 2024-11-20. Review status: criteria provided, single submitter. Criteria: ACMG Guidelines, 2015. Collection method: clinical testing. Allele origin: germline.

Dubai Health Genomic Medicine Center, Dubai Health
Classification: Uncertain significance. Last evaluated: 2022-12-17. Review status: criteria provided, single submitter. Criteria: ACMG Guidelines, 2015. Collection method: clinical testing. Allele origin: germline. Affected: yes.

Department of Pathology and Laboratory Medicine, Sinai Health System
Classification: Uncertain significance for Polycystic kidney disease 4. Last evaluated: 2022-10-18. Review status: criteria provided, single submitter. Criteria: ACMG Guidelines, 2015. Collection method: clinical testing. Allele origin: germline. Affected: yes.

Illumina Laboratory Services, Illumina
Classification: Uncertain significance for Polycystic kidney disease 4. Last evaluated: 2018-01-13. Review status: criteria provided, single submitter. Criteria: ICSL Variant Classification Criteria 13 December 2019. Collection method: clinical testing. Allele origin: germline.

Eurofins Ntd Llc (ga)
Classification: Uncertain significance. Last evaluated: 2017-10-19. Review status: criteria provided, single submitter. Criteria: EGL Classification Definitions 2015. Collection method: clinical testing. Allele origin: germline. Observed: 17 variant alleles, 17 heterozygotes.

PreventionGenetics, part of Exact Sciences
Classification: Likely benign for PKHD1-related condition. Last evaluated: 2022-02-13. Review status: no assertion criteria provided. Collection method: clinical testing. Allele origin: germline. Not counted in ClinVar's aggregate classification.
Comment: This variant is classified as likely benign based on ACMG/AMP sequence variant interpretation guidelines (Richards et al. 2015 PMID: 25741868, with internal and published modifications).

Natera, Inc.
Classification: Uncertain significance for Autosomal recessive polycystic kidney disease. Last evaluated: 2017-10-17. Review status: no assertion criteria provided. Collection method: clinical testing. Allele origin: germline. Not counted in ClinVar's aggregate classification.

Clinical Genetics DNA and cytogenetics Diagnostics Lab, Erasmus MC, Erasmus Medical Center
Classification: Likely benign. Review status: no assertion criteria provided. Collection method: clinical testing. Allele origin: germline. Affected: yes. Study: VKGL Data-share Consensus. Not counted in ClinVar's aggregate classification.

Genome Diagnostics Laboratory, University Medical Center Utrecht
Classification: Likely benign. Review status: no assertion criteria provided. Collection method: clinical testing. Allele origin: germline. Affected: yes. Study: VKGL Data-share Consensus. Not counted in ClinVar's aggregate classification.

Dubai Health Genomic Medicine Center, Dubai Health
Classification: Uncertain significance for Polycystic kidney disease 4. Last evaluated: 2020-10-01. Review status: flagged submission. Criteria: ACMG Guidelines, 2015. Collection method: clinical testing. Allele origin: germline. Affected: yes. Not counted in ClinVar's aggregate classification.
Comment: The c.7912-5T>G variant in PKHD1 has not been previously reported in affected individuals but was identified in 278/282330 (0.1% 0 homozygotes) total alleles in the Genome Aggregation Database (gnomAD). This variant is located in the 3' acceptor splice region. Computational tools do not suggest an impact to splicing though this information is not predictive enough to rule out pathogenicity. In summary additional information is needed to fully assess its clinical significance.
ClinVar note: Reason: This record appears to be redundant with a more recent record from the same submitter.
ClinVar note: Notes: SCV001984629 appears to be redundant with SCV002774969.

Literature cited by the submitters: PubMed 15698423 (cited by Women's Health and Genetics/Laboratory Corporation of America, LabCorp and Mayo Clinic Laboratories, Mayo Clinic); PubMed 30665423 (cited by Women's Health and Genetics/Laboratory Corporation of America, LabCorp); PubMed 36703223 (cited by Women's Health and Genetics/Laboratory Corporation of America, LabCorp).

NM_138694.4(PKHD1):c.7912-5T>G

Gene: PKHD1 (PKHD1 ciliary IPT domain containing fibrocystin/polyductin; minus strand). Cytogenetic location: 6p12.2.
Variant type: single nucleotide variant.
Coding change: c.7912-5T>G on transcript NM_138694.4 (MANE Select); 5 bases into the intron before coding-DNA position 7912, T replaced by G.
Molecular consequence: intron variant.
Genome position (GRCh38, 1-based): chr6:51,847,975, A>C on the plus strand (T>G on the coding strand, the complement: PKHD1 is on the minus strand). VCF-style: chr6-51847975-A-C. GRCh37 (hg19) VCF-style: chr6-51712773-A-C.
Other names: p.?; c.7912-5T>G (NM_170724.3).
Identifiers: ClinVar variation 96425 (VCV000096425.71), dbSNP rs371510537, ClinGen allele CA224095.